The following is an entry in ClinVar:

NM_000463.3(UGT1A1):c.700_701delinsAA (p.Ala234Asn)

Genes: UGT1A (UDP glucuronosyltransferase family 1 member A complex locus; plus strand), UGT1A1 (UDP glucuronosyltransferase family 1 member A1; plus strand), UGT1A10 (UDP glucuronosyltransferase family 1 member A10; plus strand), UGT1A3 (UDP glucuronosyltransferase family 1 member A3; plus strand), UGT1A4 (UDP glucuronosyltransferase family 1 member A4; plus strand) and 5 more. Cytogenetic location: 2q37.1.
Variant type: Indel.
Coding change: c.700_701delinsAA on transcript NM_000463.3 (MANE Select); coding-DNA positions 700 to 701, GC replaced by AA.
Protein change: p.Ala234Asn; replaces alanine 234 with asparagine.
Molecular consequence: missense variant. On other transcripts: intron variant (9).
Genome position (GRCh38, 1-based): chr2:233,760,987-233,760,988, GC replaced by AA. VCF-style: chr2-233760987-GC-AA. GRCh37 (hg19) VCF-style: chr2-234669633-GC-AA.
Other names: c.700_701delGCinsAA, p.Ala234Asn (NM_000463.2); c.856-6047_856-6046delinsAA (NM_019076.5, NM_019075.4, NM_021027.3 and 1 more transcripts); c.61-6047_61-6046delinsAA (NM_205862.3); c.862-6047_862-6046delinsAA (NM_001072.4); c.868-6047_868-6046delinsAA (NM_019078.2, NM_007120.3, NM_019093.4); short protein forms A234N.
Identifiers: ClinVar variation 3346245 (VCV003346245.1).

ClinVar aggregate classification (germline): Uncertain significance (0 of 4 stars; one submission).

Conditions:
UGT1A1-related disorder. Also called: UGT1A1-related disorders; UGT1A1-related condition.

Submission:

PreventionGenetics, part of Exact Sciences
Classification: Uncertain significance for UGT1A1-related condition. Last evaluated: 2024-04-02. Review status: no assertion criteria provided. Collection method: clinical testing. Allele origin: germline.
Comment: The UGT1A1 c.700_701delinsAA variant is predicted to result in an in-frame deletion and insertion. To our knowledge, this variant has not been reported in the literature or in a large population database, indicating this variant is rare. At this time, the clinical significance of this variant is uncertain due to the absence of conclusive functional and genetic evidence.